The following is an entry in ClinVar:

ClinVar aggregate classification (germline): Likely benign (1 of 4 stars; one submission).

Conditions:
FBXL4-related disorder. Also called: FBXL4-related condition.

Submission:

PreventionGenetics, part of Exact Sciences
Classification: Likely benign for FBXL4-related condition. Last evaluated: 2025-01-27. Review status: criteria provided, single submitter. Criteria: ACMG Guidelines, 2015. Collection method: clinical testing. Allele origin: germline.
Comment: This variant is classified as likely benign based on ACMG/AMP sequence variant interpretation guidelines (Richards et al. 2015 PMID: 25741868, with internal and published modifications).

NM_001278716.2(FBXL4):c.513-5G>T

Gene: FBXL4 (F-box and leucine rich repeat protein 4; minus strand). Cytogenetic location: 6q16.2.
Variant type: single nucleotide variant.
Coding change: c.513-5G>T on transcript NM_001278716.2 (MANE Select); 5 bases into the intron before coding-DNA position 513, G replaced by T.
Molecular consequence: intron variant.
Genome position (GRCh38, 1-based): chr6:98,917,724, C>A on the plus strand (G>T on the coding strand, the complement: FBXL4 is on the minus strand). VCF-style: chr6-98917724-C-A. GRCh37 (hg19) VCF-style: chr6-99365600-C-A.
Other names: c.513-5G>T (NM_012160.5).
Identifiers: ClinVar variation 4987126 (VCV004987126.1).
Genomic context (GRCh38, chr6:98,917,724, plus strand): 5'-GGCGAGCTTGGGAAGCATTCACCTTCGTAGGTCTCTCTGACCAAAGAATCTCCCATCTGC[C>A]AAAAAAAGAAACTTCCCTATAATACAGTTTAGAATGAGATCTACTGGTCCCTTAAGGTTA-3'